The following is an entry in ClinVar:

ClinVar aggregate classification (germline): Uncertain significance (1 of 4 stars; one submission).

Submission:

GeneDx
Classification: Uncertain significance. Last evaluated: 2023-03-26. Review status: criteria provided, single submitter. Criteria: GeneDx Variant Classification Process June 2021. Collection method: clinical testing. Allele origin: germline. Affected: yes.
Comment: Not observed at significant frequency in large population cohorts (gnomAD); In silico analysis supports that this variant does not alter splicing; Has not been previously published as pathogenic or benign to our knowledge

NM_005097.4(LGI1):c.216-4T>G

Gene: LGI1 (leucine rich glioma inactivated 1; plus strand). Cytogenetic location: 10q23.33.
Variant type: single nucleotide variant.
Coding change: c.216-4T>G on transcript NM_005097.4 (MANE Select); 4 bases into the intron before coding-DNA position 216, T replaced by G.
Molecular consequence: intron variant.
Genome position (GRCh38, 1-based): chr10:93,758,756, T>G. VCF-style: chr10-93758756-T-G. GRCh37 (hg19) VCF-style: chr10-95518513-T-G.
Other names: c.216-4T>G (NM_001308275.2, NM_001308276.2).
Identifiers: ClinVar variation 2582016 (VCV002582016.1), dbSNP rs2492803519, ClinGen allele CA2582342721.
Genomic context (GRCh38, chr10:93,758,756, plus strand): 5'-CTGTGTGTGTGTGTCTCTTTGTGTGTGTCTGTTTGTTTGTTTTCTCTTTTTTGTTTTCTT[T>G]CAGATCCTTTGTGAGATCTGGTTTTACTGAAATCTCAGAAGGGAGTTTTTTATTCACGCC-3'